The following is an entry in ClinVar:

ClinVar aggregate classification (germline): Uncertain significance (1 of 4 stars; one submission).

Conditions:
Cystic fibrosis (CF). Also called: MUCOVISCIDOSIS. Identifiers: Orphanet 586, MedGen C0010674, MONDO:0009061, OMIM 219700. Disease mechanism: loss of function.

Submission:

Ambry Genetics
Classification: Uncertain significance for Cystic fibrosis. Last evaluated: 2025-03-08. Review status: criteria provided, single submitter. Criteria: Ambry Variant Classification Scheme 2023. Collection method: clinical testing. Allele origin: germline.
Comment: The p.L127F variant (also known as c.381A>C), located in coding exon 4 of the CFTR gene, results from an A to C substitution at nucleotide position 381. The leucine at codon 127 is replaced by phenylalanine, an amino acid with highly similar properties. This amino acid position is conserved. In addition, this alteration is predicted to be deleterious by in silico analysis. Based on the available evidence, the clinical significance of this variant remains unclear.

NM_000492.4(CFTR):c.381A>C (p.Leu127Phe)

Gene: CFTR (CF transmembrane conductance regulator; plus strand). Cytogenetic location: 7q31.2.
Variant type: single nucleotide variant.
Coding change: c.381A>C on transcript NM_000492.4 (MANE Select); coding-DNA position 381, A replaced by C.
Protein change: p.Leu127Phe; replaces leucine 127 with phenylalanine.
Molecular consequence: missense variant.
Genome position (GRCh38, 1-based): chr7:117,531,006, A>C. VCF-style: chr7-117531006-A-C. GRCh37 (hg19) VCF-style: chr7-117171060-A-C.
Other names: short protein forms L127F.
Identifiers: ClinVar variation 3832608 (VCV003832608.1).